The following is an entry in ClinVar:

ClinVar aggregate classification (germline): Uncertain significance (1 of 4 stars; one submission).

Conditions:
Hereditary cancer-predisposing syndrome. Also called: Hereditary Cancer Syndrome; Hereditary neoplastic syndrome; Neoplastic Syndromes, Hereditary; Tumor predisposition. Identifiers: Orphanet 140162, MedGen C0027672, MeSH D009386, MONDO:0015356.

Submission:

Ambry Genetics
Classification: Uncertain significance for Hereditary cancer-predisposing syndrome. Last evaluated: 2025-05-27. Review status: criteria provided, single submitter. Criteria: Ambry Variant Classification Scheme 2023. Collection method: clinical testing. Allele origin: germline.
Comment: The p.F459C variant (also known as c.1376T>G), located in coding exon 10 of the NBN gene, results from a T to G substitution at nucleotide position 1376. The phenylalanine at codon 459 is replaced by cysteine, an amino acid with highly dissimilar properties. This amino acid position is conserved. In addition, the in silico prediction for this alteration is inconclusive. Based on the available evidence, the clinical significance of this variant remains unclear.

NM_002485.5(NBN):c.1376T>G (p.Phe459Cys)

Gene: NBN (nibrin; minus strand). Cytogenetic location: 8q21.3.
Variant type: single nucleotide variant.
Coding change: c.1376T>G on transcript NM_002485.5 (MANE Select); coding-DNA position 1376, T replaced by G.
Protein change: p.Phe459Cys; replaces phenylalanine 459 with cysteine.
Molecular consequence: missense variant.
Genome position (GRCh38, 1-based): chr8:89,955,304, A>C on the plus strand (T>G on the coding strand, the complement: NBN is on the minus strand). VCF-style: chr8-89955304-A-C. GRCh37 (hg19) VCF-style: chr8-90967532-A-C.
Other names: c.1130T>G, p.Phe377Cys (NM_001024688.3); short protein forms F459C, F377C.
Identifiers: ClinVar variation 3917598 (VCV003917598.1).